The following is an entry in ClinVar:

ClinVar aggregate classification (germline): Uncertain significance (1 of 4 stars; one submission).

gnomAD v4.1: 3 of 1,614,144 alleles (0.00019%); highest among the groups gnomAD compares: Non-Finnish European, 0.00017%; no homozygotes.

Submission:

GeneDx
Classification: Uncertain significance. Last evaluated: 2025-07-29. Review status: criteria provided, single submitter. Criteria: GeneDx Variant Classification Process June 2021. Collection method: clinical testing. Allele origin: germline. Affected: yes.
Comment: In silico analysis supports that this missense variant has a deleterious effect on protein structure/function; Has not been previously published as pathogenic or benign to our knowledge

NM_002335.4(LRP5):c.3649T>C (p.Cys1217Arg)

Gene: LRP5 (LDL receptor related protein 5; plus strand). Cytogenetic location: 11q13.2.
Variant type: single nucleotide variant.
Coding change: c.3649T>C on transcript NM_002335.4 (MANE Select); coding-DNA position 3649, T replaced by C.
Protein change: p.Cys1217Arg; replaces cysteine 1217 with arginine.
Molecular consequence: missense variant.
Genome position (GRCh38, 1-based): chr11:68,429,586, T>C. VCF-style: chr11-68429586-T-C. GRCh37 (hg19) VCF-style: chr11-68197054-T-C.
Other names: c.1906T>C, p.Cys636Arg (NM_001291902.2); short protein forms C1217R, C636R.
Identifiers: ClinVar variation 4689955 (VCV004689955.1).
Genomic context (GRCh38, chr11:68,429,586, plus strand): 5'-AGGTGGGAGACAGAGCCTGACCTCTGTTTGTCTTGTTTTGTCTTTGCAGCAGCCCACCCA[T>C]GTGCCCGTGACAATGGTGGCTGCTCCCACATCTGTATTGCCAAGGGTGATGGGACACCAC-3'
Protein context (NP_002326.2, residues 1207-1227): VSLEEFSAHP[Cys1217Arg]ARDNGGCSHI